The following is an entry in ClinVar:

NM_005148.4(UNC119):c.231C>T (p.Cys77=)

Gene: UNC119 (unc-119 lipid binding chaperone; minus strand). Cytogenetic location: 17q11.2.
Variant type: single nucleotide variant.
Coding change: c.231C>T on transcript NM_005148.4 (MANE Select); coding-DNA position 231, C replaced by T.
Protein change: p.Cys77=; no amino-acid change (cysteine 77 retained).
Molecular consequence: synonymous variant. On other transcripts: 5 prime UTR variant (1).
Genome position (GRCh38, 1-based): chr17:28,548,695, G>A on the plus strand (C>T on the coding strand, the complement: UNC119 is on the minus strand). VCF-style: chr17-28548695-G-A. GRCh37 (hg19) VCF-style: chr17-26875713-G-A.
Other names: c.-55C>T (NM_001330166.2); c.231C>T, p.Cys77= (NM_054035.2).
Identifiers: ClinVar variation 1540270 (VCV001540270.10), dbSNP rs1037207765, ClinGen allele CA289104782.

ClinVar aggregate classification (germline): Conflicting classifications of pathogenicity. Review status: criteria provided, conflicting classifications (1 of 4 stars). 2 submissions from 2 submitters: Uncertain significance (1); Likely benign (1). Last evaluated 2022-01-15.

Allele frequency attached by ClinVar (database versions not stated): TOPMed below 0.00001; gnomAD exomes 0.00001.
gnomAD v4.1: 10 of 1,613,904 alleles (0.00062%); highest among the groups gnomAD compares: Non-Finnish European, 0.00068%; no homozygotes.

Submissions (2):

Labcorp Genetics (formerly Invitae), Labcorp
Classification: Likely benign. Last evaluated: 2022-01-15. Review status: criteria provided, single submitter. Criteria: Invitae Variant Classification Sherloc (09022015). Collection method: clinical testing. Allele origin: germline.

Laboratorio de Genetica e Diagnostico Molecular, Hospital Israelita Albert Einstein
Classification: Uncertain significance. Last evaluated: 2020-02-14. Review status: criteria provided, single submitter. Criteria: ACMG Guidelines, 2015. Collection method: clinical testing. Allele origin: germline. Affected: yes.
Comment: ACMG classification criteria: PM2, PP3